The following is an entry in ClinVar:

NM_000430.4(PAFAH1B1):c.62C>G (p.Ser21Ter)

Gene: PAFAH1B1 (platelet activating factor acetylhydrolase 1b regulatory subunit 1; plus strand). Cytogenetic location: 17p13.3.
Variant type: single nucleotide variant.
Coding change: c.62C>G on transcript NM_000430.4 (MANE Select); coding-DNA position 62, C replaced by G.
Protein change: p.Ser21Ter; replaces serine 21 with a stop codon.
Molecular consequence: nonsense.
Genome position (GRCh38, 1-based): chr17:2,665,401, C>G. VCF-style: chr17-2665401-C-G. GRCh37 (hg19) VCF-style: chr17-2568695-C-G.
Other names: short protein forms S21*.
Identifiers: ClinVar variation 620336 (VCV000620336.1), dbSNP rs1567554574, ClinGen allele CA397637979.
Genomic context (GRCh38, chr17:2,665,401, plus strand): 5'-TTTTTAGGAGTCATTTGAATTTTTCTTTCAGAAATCGAGCTATAGCAGATTATCTTCGTT[C>G]AAATGGCTATGAAGAGGCATATTCAGTTTTTAAAAAGGAAGCTGAATTAGATGTGGTATG-3'

ClinVar aggregate classification (germline): Pathogenic (1 of 4 stars; one submission).

Submission:

GeneDx
Classification: Pathogenic. Last evaluated: 2018-09-05. Review status: criteria provided, single submitter. Criteria: GeneDx Variant Classification (06012015). Collection method: clinical testing. Allele origin: germline. Affected: yes.
Comment: The S21X nonsense variant in the PAFAH1B1 gene is predicted to cause loss of normal protein function either through protein truncation or nonsense-mediated mRNA decay. The S21X variant is not observed in large population cohorts (Lek et al., 2016).